The following is an entry in ClinVar:

ClinVar aggregate classification (germline): Pathogenic. Review status: criteria provided, multiple submitters, no conflicts (2 of 4 stars). 2 submissions from 2 submitters: Pathogenic (2). Last evaluated 2023-05-15.

Conditions:
Familial adenomatous polyposis 1 (FAP1). Also called: POLYPOSIS, ADENOMATOUS INTESTINAL; FAMILIAL ADENOMATOUS POLYPOSIS 1, ATTENUATED. Identifiers: MedGen C2713442, MONDO:0021056, OMIM 175100. Disease mechanism: loss of function.

Submissions (2):

Myriad Genetics, Inc.
Classification: Pathogenic for Familial adenomatous polyposis 1. Last evaluated: 2023-05-15. Review status: criteria provided, single submitter. Criteria: Myriad Autosomal Dominant, Autosomal Recessive and X-Linked Classification Criteria (2023). Collection method: clinical testing. Allele origin: unknown.
Comment: This variant is considered pathogenic. This variant creates a termination codon and is predicted to result in premature protein truncation.

Labcorp Genetics (formerly Invitae), Labcorp
Classification: Pathogenic for Familial adenomatous polyposis 1. Last evaluated: 2017-02-20. Review status: criteria provided, single submitter. Criteria: Invitae Variant Classification Sherloc (09022015). Collection method: clinical testing. Allele origin: germline.
Comment: This sequence change results in a premature translational stop signal in the last exon of the APC mRNA at codon 2022 (p.Ser2022*). While this is not anticipated to result in nonsense mediated decay, it is expected to delete the last 822 amino acids (~30%) of the APC protein. While this particular variant has not been reported in the literature, loss-of-function variants in APC are known to be pathogenic (PMID: 20685668, 17963004). For these reasons, this variant has been classified as Pathogenic. Additionally, this variant deletes a portion of the C-terminus of the APC protein, including the Basic domain, the EB1 binding site, and the HDLG binding site, which mediate interactions with the cytoskeleton (PMID: 15311282, 17293347). A different truncating variant downstream of this variant, c.7932_7935del (p.Tyr2645Lysfs*14), that only removes the EB1 and HDLG binding sites has been reported in several individuals with familial adenomatous polyposis (FAP) and attenuated FAP (PMID: 1316610, 8381579, 9824584, 22135120). While functional studies have not been performed to directly test the effect of either variant on APC protein function, these observations suggest that the C-terminal portion of the protein is clinically important.

Literature cited by the submitters: PubMed 20685668 (cited by Labcorp Genetics (formerly Invitae), Labcorp); PubMed 17963004 (cited by Labcorp Genetics (formerly Invitae), Labcorp); PubMed 15311282 (cited by Labcorp Genetics (formerly Invitae), Labcorp); PubMed 17293347 (cited by Labcorp Genetics (formerly Invitae), Labcorp); PubMed 1316610 (cited by Labcorp Genetics (formerly Invitae), Labcorp); PubMed 8381579 (cited by Labcorp Genetics (formerly Invitae), Labcorp); PubMed 9824584 (cited by Labcorp Genetics (formerly Invitae), Labcorp); PubMed 22135120 (cited by Labcorp Genetics (formerly Invitae), Labcorp).

NM_000038.6(APC):c.6065C>G (p.Ser2022Ter)

Gene: APC (APC regulator of Wnt signaling pathway; plus strand). Cytogenetic location: 5q22.2.
Variant type: single nucleotide variant.
Coding change: c.6065C>G on transcript NM_000038.6 (MANE Select); coding-DNA position 6065, C replaced by G.
Protein change: p.Ser2022Ter; replaces serine 2022 with a stop codon.
Molecular consequence: nonsense.
Genome position (GRCh38, 1-based): chr5:112,841,659, C>G. VCF-style: chr5-112841659-C-G. GRCh37 (hg19) VCF-style: chr5-112177356-C-G.
Other names: c.6065C>G, p.Ser2022Ter (NM_001127510.3, NM_001354895.2); c.6011C>G, p.Ser2004Ter (NM_001127511.3); c.6119C>G, p.Ser2040Ter (NM_001354896.2); c.6095C>G, p.Ser2032Ter (NM_001354897.2); c.5990C>G, p.Ser1997Ter (NM_001354898.2); c.5981C>G, p.Ser1994Ter (NM_001354899.2); c.5942C>G, p.Ser1981Ter (NM_001354900.2); c.5888C>G, p.Ser1963Ter (NM_001354901.2); and 5 more; short protein forms S2004*, S2022*, S1739*, S1896*, S1963*, S1981*, S1994*, S1862*.
Identifiers: ClinVar variation 470034 (VCV000470034.11), dbSNP rs1554087174, ClinGen allele CA16034606.